The following is an entry in ClinVar:

ClinVar aggregate classification (germline): Conflicting classifications of pathogenicity. Review status: criteria provided, conflicting classifications (1 of 4 stars). 3 submissions from 3 submitters: Uncertain significance (2); Likely benign (1). Last evaluated 2026-05-29.

Conditions:
ZNF469-related disorder. Also called: ZNF469-related condition.

Allele frequency attached by ClinVar (database versions not stated): gnomAD exomes 0.00001 and 0.00003; ExAC 0.00005; TOPMed 0.00014; gnomAD 0.00015 and 0.00016; 1000 Genomes Project 30x 0.00016; 1000 Genomes Project 0.00020.
gnomAD v4.1: 45 of 1,550,448 alleles (0.0029%); highest among the groups gnomAD compares: African/African-American, 0.053%; no homozygotes.

Submissions (3):

PreventionGenetics, part of Exact Sciences
Classification: Uncertain significance for ZNF469-related condition. Last evaluated: 2026-05-29. Review status: criteria provided, single submitter. Criteria: ACMG Guidelines, 2015. Collection method: clinical testing. Allele origin: germline.
Comment: The ZNF469 c.5179G>A variant is predicted to result in the amino acid substitution p.Ala1727Thr. To our knowledge, this variant has not been reported in the literature. This variant is reported in 0.072% of alleles in individuals of African descent in gnomAD. Although we suspect that this variant may be benign, at this time, the clinical significance of this variant is uncertain due to the absence of conclusive functional and genetic evidence.

Mayo Clinic Laboratories, Mayo Clinic
Classification: Likely benign. Last evaluated: 2024-12-06. Review status: criteria provided, single submitter. Criteria: ACMG Guidelines, 2015. Collection method: clinical testing. Allele origin: germline. Observed: 2 variant alleles.
Comment: BS1, BP4_strong

Labcorp Genetics (formerly Invitae), Labcorp
Classification: Uncertain significance. Last evaluated: 2022-06-08. Review status: criteria provided, single submitter. Criteria: Invitae Variant Classification Sherloc (09022015). Collection method: clinical testing. Allele origin: germline.
Comment: This sequence change replaces alanine, which is neutral and non-polar, with threonine, which is neutral and polar, at codon 1727 of the ZNF469 protein (p.Ala1727Thr). This variant is present in population databases (rs530685019, gnomAD 0.08%). This variant has not been reported in the literature in individuals affected with ZNF469-related conditions. Algorithms developed to predict the effect of missense changes on protein structure and function output the following: SIFT: "Tolerated"; PolyPhen-2: "Benign"; Align-GVGD: "Class C0". The threonine amino acid residue is found in multiple mammalian species, which suggests that this missense change does not adversely affect protein function. In summary, the available evidence is currently insufficient to determine the role of this variant in disease. Therefore, it has been classified as a Variant of Uncertain Significance.

NM_001367624.2(ZNF469):c.5263G>A (p.Ala1755Thr)

Gene: ZNF469 (zinc finger protein 469; plus strand). Cytogenetic location: 16q24.2.
Variant type: single nucleotide variant.
Coding change: c.5263G>A on transcript NM_001367624.2 (MANE Select); coding-DNA position 5263, G replaced by A.
Protein change: p.Ala1755Thr; replaces alanine 1755 with threonine.
Molecular consequence: missense variant.
Genome position (GRCh38, 1-based): chr16:88,432,733, G>A. VCF-style: chr16-88432733-G-A. GRCh37 (hg19) VCF-style: chr16-88499141-G-A.
Other names: p.Ala1755Thr; NM_001127464.2:c.5179G>A; short protein forms A1755T.
Identifiers: ClinVar variation 1426338 (VCV001426338.7), dbSNP rs530685019, ClinGen allele CA8225057.